The following is an entry in ClinVar:

NM_003823.4(TNFRSF6B):c.187C>T (p.Arg63Cys)

Genes: RTEL1-TNFRSF6B (RTEL1-TNFRSF6B readthrough (NMD candidate); plus strand), TNFRSF6B (TNF receptor superfamily member 6b; plus strand). Cytogenetic location: 20q13.33.
Variant type: single nucleotide variant.
Coding change: c.187C>T on transcript NM_003823.4 (MANE Select); coding-DNA position 187, C replaced by T.
Protein change: p.Arg63Cys; replaces arginine 63 with cysteine.
Molecular consequence: missense variant. On other transcripts: non-coding transcript variant (1).
Genome position (GRCh38, 1-based): chr20:63,696,954, C>T. VCF-style: chr20-63696954-C-T. GRCh37 (hg19) VCF-style: chr20-62328307-C-T.
Other names: c.187C>T (NM_003823.3); short protein forms R63C.
Identifiers: ClinVar variation 1443609 (VCV001443609.7), dbSNP rs746113298, ClinGen allele CA9966352.

ClinVar aggregate classification (germline): Uncertain significance. Review status: criteria provided, multiple submitters, no conflicts (2 of 4 stars). 2 submissions from 2 submitters: Uncertain significance (2). Last evaluated 2025-08-01.

Allele frequency attached by ClinVar (database versions not stated): gnomAD 0.00001; gnomAD exomes 0.00001; ExAC 0.00003; TOPMed below 0.00001.

Submissions (2):

Ambry Genetics
Classification: Uncertain significance. Last evaluated: 2025-08-01. Review status: criteria provided, single submitter. Criteria: Ambry Variant Classification Scheme 2023. Collection method: clinical testing. Allele origin: germline.

Labcorp Genetics (formerly Invitae), Labcorp
Classification: Uncertain significance. Last evaluated: 2025-05-22. Review status: criteria provided, single submitter. Criteria: Invitae Variant Classification Sherloc (09022015). Collection method: clinical testing. Allele origin: germline.
Comment: This sequence change replaces arginine, which is basic and polar, with cysteine, which is neutral and slightly polar, at codon 63 of the TNFRSF6B protein (p.Arg63Cys). The frequency data for this variant in the population databases is considered unreliable, as metrics indicate poor data quality at this position in the gnomAD database. This variant has not been reported in the literature in individuals affected with TNFRSF6B-related conditions. ClinVar contains an entry for this variant (Variation ID: 1443609). An algorithm developed to predict the effect of missense changes on protein structure and function (PolyPhen-2) suggests that this variant is likely to be disruptive. In summary, the available evidence is currently insufficient to determine the role of this variant in disease. Therefore, it has been classified as a Variant of Uncertain Significance.